The following is an entry in ClinVar:

NM_000059.4(BRCA2):c.516+14del

Gene: BRCA2 (BRCA2 DNA repair associated; plus strand). Cytogenetic location: 13q13.1.
Variant type: Deletion.
Coding change: c.516+14del on transcript NM_000059.4 (MANE Select); 14 bases into the intron after coding-DNA position 516, one base deleted (C; older notation c.516+14delC).
Molecular consequence: intron variant.
Genome position (GRCh38, 1-based): chr13:32,326,296, C deleted; the last of 2 consecutive C bases (chr13:32,326,295-32,326,296); deleting either gives the same sequence. VCF-style (leftmost placement, unchanged base first): chr13-32326294-AC-A. GRCh37 (hg19) VCF-style: chr13-32900431-AC-A.
Other names: c.516+14delC (NM_000059.3, NM_000059.4).
Identifiers: ClinVar variation 433751 (VCV000433751.15), dbSNP rs1336445194, ClinGen allele CA645372979.

ClinVar aggregate classification (germline): Likely benign. Review status: criteria provided, multiple submitters, no conflicts (2 of 4 stars). 5 submissions from 5 submitters: Likely benign (5). Last evaluated 2025-06-20.

Conditions:
Hereditary cancer-predisposing syndrome. Also called: Hereditary Cancer Syndrome; Hereditary neoplastic syndrome; Neoplastic Syndromes, Hereditary; Tumor predisposition. Identifiers: Orphanet 140162, MedGen C0027672, MeSH D009386, MONDO:0015356.
Hereditary breast ovarian cancer syndrome. Also called: Hereditary breast and ovarian cancer syndrome (HBOC); Breast and ovarian cancer; BRCA1- and BRCA2-Associated Hereditary Breast and Ovarian Cancer; Hereditary breast and/or ovarian cancer syndrome; Hereditary breast and ovarian cancer; Hereditary breast and ovarian cancer syndrome. Identifiers: Orphanet 145, MedGen C0677776, MeSH D061325, MONDO:0003582. Disease mechanism: loss of function.

Submissions (5):

Labcorp Genetics (formerly Invitae), Labcorp
Classification: Likely benign for Hereditary breast ovarian cancer syndrome. Last evaluated: 2025-06-20. Review status: criteria provided, single submitter. Criteria: Invitae Variant Classification Sherloc (09022015). Collection method: clinical testing. Allele origin: germline.

Center for Genomic Medicine, Rigshospitalet, Copenhagen University Hospital
Classification: Likely benign. Last evaluated: 2025-03-04. Review status: criteria provided, single submitter. Criteria: ACMG Guidelines, 2015. Collection method: clinical testing. Allele origin: germline.

Women's Health and Genetics/Laboratory Corporation of America, LabCorp
Classification: Likely benign. Last evaluated: 2024-12-18. Review status: criteria provided, single submitter. Criteria: LabCorp Variant Classification Summary - May 2015. Collection method: clinical testing. Allele origin: germline.
Comment: Variant summary: BRCA2 c.516+14delC alters a nucleotide located at a position not widely known to affect splicing. Consensus agreement among computation tools predict no significant impact on normal splicing. However, these predictions have yet to be confirmed by functional studies. The variant allele was found at a frequency of 1.3e-05 in 1602546 control chromosomes (gnomAD v4.1). This frequency is not significantly higher than estimated for a pathogenic variant in BRCA2 causing Hereditary Breast And Ovarian Cancer Syndrome (1.3e-05 vs 0.00075), allowing no conclusion about variant significance. To our knowledge, no occurrence of c.516+14delC in individuals affected with Hereditary Breast And Ovarian Cancer Syndrome and no experimental evidence demonstrating its impact on protein function have been reported. ClinVar contains an entry for this variant (Variation ID: 433751). Based on the evidence outlined above, the variant was classified as likely benign.

Color Diagnostics, LLC DBA Color Health
Classification: Likely benign for Hereditary cancer-predisposing syndrome. Last evaluated: 2017-07-05. Review status: criteria provided, single submitter. Criteria: ACMG Guidelines, 2015. Collection method: clinical testing. Allele origin: germline.

Department of Pathology and Laboratory Medicine, Sinai Health System
Classification: Likely benign. Review status: criteria provided, single submitter. Criteria: ACMG Guidelines, 2015. Collection method: clinical testing. Allele origin: germline. Affected: yes. Study: The Canadian Open Genetics Repository (COGR).